The following is an entry in ClinVar:

NM_017780.4(CHD7):c.2916G>C (p.Gln972His)

Gene: CHD7 (chromodomain helicase DNA binding protein 7; plus strand). Cytogenetic location: 8q12.2.
Variant type: single nucleotide variant.
Coding change: c.2916G>C on transcript NM_017780.4 (MANE Select); coding-DNA position 2916, G replaced by C.
Protein change: p.Gln972His; replaces glutamine 972 with histidine.
Molecular consequence: missense variant. On other transcripts: intron variant (1).
Genome position (GRCh38, 1-based): chr8:60,822,104, G>C. VCF-style: chr8-60822104-G-C. GRCh37 (hg19) VCF-style: chr8-61734663-G-C.
Other names: c.1717-40125G>C (NM_001316690.1); short protein forms Q972H.
Identifiers: ClinVar variation 3375161 (VCV003375161.1).

ClinVar aggregate classification (germline): Uncertain significance (1 of 4 stars; one submission).

Submission:

Women's Health and Genetics/Laboratory Corporation of America, LabCorp
Classification: Uncertain significance. Last evaluated: 2024-09-27. Review status: criteria provided, single submitter. Criteria: LabCorp Variant Classification Summary - May 2015. Collection method: clinical testing. Allele origin: germline.
Comment: Variant summary: CHD7 c.2916G>C (p.Gln972His) results in a non-conservative amino acid change located in the SNF2, N-terminal domain (IPR000330) of the encoded protein sequence. Five of five in-silico tools predict a damaging effect of the variant on protein function. The variant was absent in 249038 control chromosomes. The available data on variant occurrences in the general population are insufficient to allow any conclusion about variant significance. To our knowledge, no occurrence of c.2916G>C in individuals affected with Hypogonadotropic Hypogonadism 5 With Or Without Anosmia and no experimental evidence demonstrating its impact on protein function have been reported. No submitters have cited clinical-significance assessments for this variant to ClinVar. Based on the evidence outlined above, the variant was classified as uncertain significance.